The following is an entry in ClinVar:

NM_144997.7(FLCN):c.1138G>A (p.Asp380Asn)

Gene: FLCN (folliculin; minus strand). Cytogenetic location: 17p11.2.
Variant type: single nucleotide variant.
Coding change: c.1138G>A on transcript NM_144997.7 (MANE Select); coding-DNA position 1138, G replaced by A.
Protein change: p.Asp380Asn; replaces aspartic acid 380 with asparagine.
Molecular consequence: missense variant.
Genome position (GRCh38, 1-based): chr17:17,217,107, C>T on the plus strand (G>A on the coding strand, the complement: FLCN is on the minus strand). VCF-style: chr17-17217107-C-T. GRCh37 (hg19) VCF-style: chr17-17120421-C-T.
Other names: c.1192G>A, p.Asp398Asn (NM_001353229.2); c.1138G>A, p.Asp380Asn (NM_001353230.2, NM_001353231.2); short protein forms D398N, D380N.
Identifiers: ClinVar variation 4025306 (VCV004025306.1).

ClinVar aggregate classification (germline): Uncertain significance (1 of 4 stars; one submission).

Conditions:
Hereditary cancer-predisposing syndrome. Also called: Tumor predisposition; Hereditary neoplastic syndrome; Neoplastic Syndromes, Hereditary; Hereditary Cancer Syndrome. Identifiers: Orphanet 140162, MedGen C0027672, MeSH D009386, MONDO:0015356.

Submission:

Ambry Genetics
Classification: Uncertain significance for Hereditary cancer-predisposing syndrome. Last evaluated: 2025-04-01. Review status: criteria provided, single submitter. Criteria: Ambry Variant Classification Scheme 2023. Collection method: clinical testing. Allele origin: germline.
Comment: The p.D380N variant (also known as c.1138G>A), located in coding exon 7 of the FLCN gene, results from a G to A substitution at nucleotide position 1138. The aspartic acid at codon 380 is replaced by asparagine, an amino acid with highly similar properties. This amino acid position is conserved. In addition, this alteration is predicted to be tolerated by in silico analysis. Based on the available evidence, the clinical significance of this variant remains unclear.